The following is an entry in ClinVar:

NM_133259.4(LRPPRC):c.3773dup (p.Leu1259fs)

Gene: LRPPRC (leucine rich pentatricopeptide repeat containing; minus strand). Cytogenetic location: 2p21.
Variant type: Duplication.
Coding change: c.3773dup on transcript NM_133259.4 (MANE Select); coding-DNA position 3773, one base duplicated (T; older notation c.3773dupT).
Protein change: p.Leu1259fs; shifts the reading frame from leucine 1259.
Molecular consequence: frameshift variant.
Genome position (GRCh38, 1-based): chr2:43,899,271, A duplicated on the plus strand (T on the coding strand, the reverse complement: LRPPRC is on the minus strand); the first of 6 consecutive A bases (chr2:43,899,271-43,899,276); duplicating any one gives the same sequence. VCF-style (leftmost placement, unchanged base first): chr2-43899270-G-GA. GRCh37 (hg19) VCF-style: chr2-44126409-G-GA.
Other names: c.3773dupT (NM_133259.3); short protein forms L1259fs.
Identifiers: ClinVar variation 1452329 (VCV001452329.9), dbSNP rs761052211, ClinGen allele CA1637950.
Genomic context (GRCh38, chr2:43,899,270, plus strand): 5'-GGTCATTACCTGTAGGAGAGCTCTGGCATCATCCACCTTGCCTGCATCCACAAGTTGAAG[G>GA]AAAAAATCAGTGACAGGTTTATAAATTGCAAACTGATTGGCCAATCTCTCCGCCATGATG-3'

ClinVar aggregate classification (germline): Pathogenic/Likely pathogenic. Review status: criteria provided, multiple submitters, no conflicts (2 of 4 stars). 4 submissions from 4 submitters: Pathogenic (1); Likely pathogenic (3). Last evaluated 2024-03-29.

Conditions:
Congenital lactic acidosis, Saguenay-Lac-Saint-Jean type (MC4DN5). Also called: MITOCHONDRIAL COMPLEX IV DEFICIENCY, NUCLEAR TYPE 5; CYTOCHROME c OXIDASE DEFICIENCY, FRENCH CANADIAN TYPE; COX DEFICIENCY, FRENCH CANADIAN TYPE. Identifiers: Orphanet 70472, MedGen C1857355, MONDO:0009069, OMIM 220111.

Submissions (4):

Natera, Inc.
Classification: Likely pathogenic for French-Canadian type Leigh syndrome. Last evaluated: 2024-03-29. Review status: criteria provided, single submitter. Criteria: Natera Variant Classification Schema (03/2026). Collection method: clinical testing. Allele origin: germline.
Comment: The c.3773dupT variant in LRPPRC is a frameshift variant predicted to shift the reading frame beginning at codon 1259 and leads to a stop codon 11 codons downstream. This variant is expected to result in nonsense mediated decay, truncation, or a dysfunctional protein product. This variant is rare in the general population with a frequency below the threshold expected for the associated phenotype(s). Given the available evidence, this variant is classified as Likely Pathogenic.

Fulgent Genetics
Classification: Likely pathogenic for Congenital lactic acidosis, Saguenay-Lac-Saint-Jean type. Last evaluated: 2024-01-09. Review status: criteria provided, single submitter. Criteria: ACMG Guidelines, 2015. Collection method: clinical testing. Allele origin: germline.

Baylor Genetics
Classification: Likely pathogenic for Congenital lactic acidosis, Saguenay-Lac-Saint-Jean type. Last evaluated: 2023-06-08. Review status: criteria provided, single submitter. Criteria: ACMG Guidelines, 2015. Collection method: clinical testing. Allele origin: unknown.

Labcorp Genetics (formerly Invitae), Labcorp
Classification: Pathogenic. Last evaluated: 2022-08-09. Review status: criteria provided, single submitter. Criteria: Invitae Variant Classification Sherloc (09022015). Collection method: clinical testing. Allele origin: germline.
Comment: This sequence change creates a premature translational stop signal (p.Leu1259Profs*11) in the LRPPRC gene. It is expected to result in an absent or disrupted protein product. Loss-of-function variants in LRPPRC are known to be pathogenic (PMID: 26510951). For these reasons, this variant has been classified as Pathogenic. ClinVar contains an entry for this variant (Variation ID: 1452329). This variant has not been reported in the literature in individuals affected with LRPPRC-related conditions. This variant is present in population databases (rs761052211, gnomAD 0.01%).

Literature cited by the submitters: PubMed 26510951 (cited by Labcorp Genetics (formerly Invitae), Labcorp).